The following is an entry in ClinVar:

ClinVar aggregate classification (germline): Uncertain significance (1 of 4 stars; one submission).

Conditions:
Hereditary cancer-predisposing syndrome. Also called: Neoplastic Syndromes, Hereditary; Tumor predisposition; Hereditary neoplastic syndrome; Hereditary Cancer Syndrome. Identifiers: Orphanet 140162, MedGen C0027672, MeSH D009386, MONDO:0015356.

Submission:

Ambry Genetics
Classification: Uncertain significance for Hereditary cancer-predisposing syndrome. Last evaluated: 2026-08-10. Review status: criteria provided, single submitter. Criteria: Ambry Variant Classification Scheme 2023. Collection method: clinical testing. Allele origin: germline.
Comment: The p.Y739C variant (also known as c.2216A>G), located in coding exon 17 of the POLD1 gene, results from an A to G substitution at nucleotide position 2216. The tyrosine at codon 739 is replaced by cysteine, an amino acid with highly dissimilar properties. This amino acid position is conserved. In addition, the in silico prediction for this alteration is inconclusive. Based on the available evidence, the clinical significance of this variant remains unclear.

NM_002691.4(POLD1):c.2216A>G (p.Tyr739Cys)

Gene: POLD1 (DNA polymerase delta 1, catalytic subunit; plus strand). Cytogenetic location: 19q13.33.
Variant type: single nucleotide variant.
Coding change: c.2216A>G on transcript NM_002691.4 (MANE Select); coding-DNA position 2216, A replaced by G.
Protein change: p.Tyr739Cys; replaces tyrosine 739 with cysteine.
Molecular consequence: missense variant. On other transcripts: non-coding transcript variant (1).
Genome position (GRCh38, 1-based): chr19:50,413,487, A>G. VCF-style: chr19-50413487-A-G. GRCh37 (hg19) VCF-style: chr19-50916744-A-G.
Other names: c.2216A>G, p.Tyr739Cys (NM_001256849.1, NM_001438212.1, NM_001438213.1); c.2294A>G, p.Tyr765Cys (NM_001308632.1); c.2144A>G, p.Tyr715Cys (NM_001438210.1, NM_001438211.1); short protein forms Y739C, Y765C, Y715C.
Identifiers: ClinVar variation 5027003 (VCV005027003.1).
Genomic context (GRCh38, chr19:50,413,487, plus strand): 5'-GCGTCACGGGGTTCGGACGTCAGATGATCGAGAAAACCAAGCAGCTGGTGGAGTCTAAGT[A>G]CACAGTGGAGAATGGCTACAGCACCAGTGCCAAGGTCGGGGGCTGCCCACCGCTGCCCTG-3'
Protein context (NP_002682.2, residues 729-749): EKTKQLVESK[Tyr739Cys]TVENGYSTSA